The following is an entry in ClinVar:

ClinVar aggregate classification (germline): Pathogenic/Likely pathogenic. Review status: criteria provided, multiple submitters, no conflicts (2 of 4 stars). 2 submissions from 2 submitters: Pathogenic (1); Likely pathogenic (1). Last evaluated 2022-09-02.

Conditions:
Severe growth deficiency-strabismus-extensive dermal melanocytosis-intellectual disability syndrome (NEDMIGS). Also called: NEURODEVELOPMENTAL DISORDER WITH MICROCEPHALY AND GRAY SCLERAE. Identifiers: Orphanet 488627, MedGen C4310745, MONDO:0014886, OMIM 617051.

Submissions (2):

Victorian Clinical Genetics Services, Murdoch Childrens Research Institute
Classification: Pathogenic for Severe growth deficiency-strabismus-extensive dermal melanocytosis-intellectual disability syndrome. Last evaluated: 2022-09-02. Review status: criteria provided, single submitter. Criteria: ACMG Guidelines, 2015. Collection method: clinical testing. Allele origin: germline. Inheritance: Autosomal recessive inheritance. Affected: yes.
Comment: Based on the classification scheme VCGS_Germline_v1.3.4, this variant is classified as Pathogenic. Following criteria are met: 0102 - Loss of function is a known mechanism of disease in this gene and is associated with neurodevelopmental disorder with microcephaly and gray sclerae (MIM#617051). (I) 0106 - This gene is associated with autosomal recessive disease. (I) 0115 - Variants in this gene are known to have variable expressivity (PMID: 34415064). (I) 0201 - Variant is predicted to cause nonsense-mediated decay (NMD) and loss of protein (premature termination codon is located at least 54 nucleotides upstream of the final exon-exon junction). (SP) 0251 - This variant is heterozygous. (I) 0301 - Variant is absent from gnomAD (both v2 and v3). (SP) 0703 - Other NMD-predicted variants comparable to the one identified in this case have moderate previous evidence for pathogenicity (DECIPHER, PMIDs: 34415064, 31444731). (SP) 0803 - This variant has limited previous evidence of pathogenicity in one unrelated individual. This variant has been classified as likely pathogenic by a clinical laboratory in ClinVar. This same individual with a neurodevelopmental disorder was also reported in a doctoral dissertation thesis, where they were reported to be compound heterozgous for this variant and a missense variant (Stojanović, 2020). (SP) 0905 - No published segregation evidence has been identified for this variant. (I) 1007 - No published functional evidence has been identified for this variant. (I) Legend: (SP) - Supporting pathogenic, (I) - Information, (SB) - Supporting benign

Centre for Mendelian Genomics, University Medical Centre Ljubljana
Classification: Likely pathogenic for Severe growth deficiency-strabismus-extensive dermal melanocytosis-intellectual disability syndrome. Last evaluated: 2019-01-03. Review status: criteria provided, single submitter. Criteria: ACMG Guidelines, 2015. Collection method: clinical testing. Allele origin: unknown. Affected: yes.
Comment: This variant was classified as: Likely pathogenic. The following ACMG criteria were applied in classifying this variant: PVS1,PM2.

Literature cited by the submitters: PubMed 31444731 (cited by Victorian Clinical Genetics Services, Murdoch Childrens Research Institute); PubMed 34415064 (cited by Victorian Clinical Genetics Services, Murdoch Childrens Research Institute).

NM_031307.4(PUS3):c.366_367del (p.Ala123fs)

Genes: PUS3 (pseudouridine synthase 3; minus strand), HYLS1 (HYLS1 centriolar and ciliogenesis associated; plus strand). Cytogenetic location: 11q24.2.
Variant type: Deletion.
Coding change: c.366_367del on transcript NM_031307.4 (MANE Select); coding-DNA positions 366 to 367, 2 bases deleted (TG; older notation c.366_367delTG).
Protein change: p.Ala123fs; shifts the reading frame from alanine 123.
Molecular consequence: frameshift variant. On other transcripts: intron variant (6).
Genome position (GRCh38, 1-based): chr11:125,895,918-125,895,919, CA deleted on the plus strand (TG on the coding strand, the reverse complement: PUS3 is on the minus strand); deleting any 2 consecutive bases within chr11:125,895,918-125,895,920 gives the same sequence; the c. name uses the placement nearest the transcript's 3' end. VCF-style (leftmost placement, unchanged base first): chr11-125895917-GCA-G. GRCh37 (hg19) VCF-style: chr11-125765812-GCA-G.
Other names: c.-80-3185_-80-3184del (NM_145014.3); c.-25-3425_-25-3424del (NM_001134793.2, NM_001377269.1); c.-22-3428_-22-3427del (NM_001424364.1, NM_001377270.1); c.-246-130_-246-129del (NM_001271985.2); short protein forms A123fs.
Identifiers: ClinVar variation 931751 (VCV000931751.4), dbSNP rs1944570170, ClinGen allele CA1139662434.